The following is an entry in ClinVar:

NM_002519.3(NPAT):c.2648G>C (p.Ser883Thr)

Gene: NPAT (nuclear protein, coactivator of histone transcription; minus strand). Cytogenetic location: 11q22.3.
Variant type: single nucleotide variant.
Coding change: c.2648G>C on transcript NM_002519.3 (MANE Select); coding-DNA position 2648, G replaced by C.
Protein change: p.Ser883Thr; replaces serine 883 with threonine.
Molecular consequence: missense variant.
Genome position (GRCh38, 1-based): chr11:108,172,336, C>G on the plus strand (G>C on the coding strand, the complement: NPAT is on the minus strand). VCF-style: chr11-108172336-C-G. GRCh37 (hg19) VCF-style: chr11-108043063-C-G.
Other names: c.2648G>C, p.Ser883Thr (NM_001321307.1); short protein forms S883T.
Identifiers: ClinVar variation 3300635 (VCV003300635.1).
Genomic context (GRCh38, chr11:108,172,336, plus strand): 5'-GGTAGAGGTTGAGCAGTCATAGGTGCAGAATTTCCAGGCAACACCACTACATTAGACTGA[C>G]TTACAGATGTTCCTAACGCTGTTGGATCAGTCACACAGGTAGCTATCAGAATGTTATTTG-3'
Protein context (NP_002510.2, residues 873-893): TDPTALGTSV[Ser883Thr]QSNVVVLPGN

ClinVar aggregate classification (germline): Uncertain significance (1 of 4 stars; one submission).

gnomAD v4.1: 1 of 1,614,196 alleles (0.000062%); highest among the groups gnomAD compares: African/African-American, 0.0013%; no homozygotes.

Submission:

Ambry Genetics
Classification: Uncertain significance. Last evaluated: 2024-05-23. Review status: criteria provided, single submitter. Criteria: Ambry Variant Classification Scheme 2023. Collection method: clinical testing. Allele origin: germline.
Comment: The p.S883T variant (also known as c.2648G>C), located in coding exon 13 of the NPAT gene, results from a G to C substitution at nucleotide position 2648. The serine at codon 883 is replaced by threonine, an amino acid with similar properties. This amino acid position is conserved. In addition, this alteration is predicted to be tolerated by in silico analysis. Based on the available evidence, the clinical significance of this variant remains unclear.